The following is an entry in ClinVar:

ClinVar aggregate classification (germline): Likely benign. Review status: criteria provided, multiple submitters, no conflicts (2 of 4 stars). 4 submissions from 4 submitters: Likely benign (3). 1 of the submissions does not count toward it. Last evaluated 2025-12-18.

Conditions:
SC5D-related disorder. Also called: SC5D-related condition.

Allele frequency attached by ClinVar (database versions not stated): gnomAD 0.00269 and 0.00252; TOPMed 0.00298; 1000 Genomes Project 0.00180; 1000 Genomes Project 30x 0.00187; ESP Exome Variant Server 0.00246.
gnomAD v4.1: 764 of 1,610,134 alleles (0.047%); highest among the groups gnomAD compares: African/African-American, 0.84%; 4 homozygotes.

Submissions (4):

Labcorp Genetics (formerly Invitae), Labcorp
Classification: Likely benign. Last evaluated: 2025-12-18. Review status: criteria provided, single submitter. Criteria: Invitae Variant Classification Sherloc (09022015). Collection method: clinical testing. Allele origin: germline.

CeGaT Center for Human Genetics Tuebingen
Classification: Likely benign. Last evaluated: 2025-03-01. Review status: criteria provided, single submitter. Criteria: CeGaT Center For Human Genetics Tuebingen Variant Classification Criteria Version 2. Collection method: clinical testing. Allele origin: germline. Affected: yes. Observed: 1 variant allele.
Comment: SC5D: BP4, BS2

Breakthrough Genomics
Classification: Likely benign. Review status: criteria provided, single submitter. Criteria: ACMG Guidelines, 2015. Collection method: not provided. Allele origin: germline. Inheritance: Autosomal recessive inheritance. Affected: yes.

PreventionGenetics, part of Exact Sciences
Classification: Benign for SC5D-related condition. Last evaluated: 2019-06-18. Review status: no assertion criteria provided. Collection method: clinical testing. Allele origin: germline. Not counted in ClinVar's aggregate classification.
Comment: This variant is classified as benign based on ACMG/AMP sequence variant interpretation guidelines (Richards et al. 2015 PMID: 25741868, with internal and published modifications).

NM_006918.5(SC5D):c.830G>A (p.Arg277His)

Gene: SC5D (sterol-C5-desaturase; plus strand). Cytogenetic location: 11q24.1.
Variant type: single nucleotide variant.
Coding change: c.830G>A on transcript NM_006918.5 (MANE Select); coding-DNA position 830, G replaced by A.
Protein change: p.Arg277His; replaces arginine 277 with histidine.
Molecular consequence: missense variant.
Genome position (GRCh38, 1-based): chr11:121,307,442, G>A. VCF-style: chr11-121307442-G-A. GRCh37 (hg19) VCF-style: chr11-121178151-G-A.
Other names: c.830G>A, p.Arg277His (NM_001024956.3); short protein forms R277H.
Identifiers: ClinVar variation 730905 (VCV000730905.20), dbSNP rs114578771, ClinGen allele CA6328234.